The following is an entry in ClinVar:

ClinVar aggregate classification (germline): Uncertain significance. Review status: criteria provided, multiple submitters, no conflicts (2 of 4 stars). 2 submissions from 2 submitters: Uncertain significance (2). Last evaluated 2025-11-19.

gnomAD v4.1: 21 of 1,602,424 alleles (0.0013%); highest among the groups gnomAD compares: Admixed American, 0.036%; no homozygotes.

Submissions (2):

Ambry Genetics
Classification: Uncertain significance. Last evaluated: 2025-11-19. Review status: criteria provided, single submitter. Criteria: Ambry Variant Classification Scheme 2023. Collection method: clinical testing. Allele origin: germline.

Labcorp Genetics (formerly Invitae), Labcorp
Classification: Uncertain significance. Last evaluated: 2025-09-10. Review status: criteria provided, single submitter. Criteria: Invitae Variant Classification Sherloc (09022015). Collection method: clinical testing. Allele origin: germline.
Comment: This sequence change replaces proline, which is neutral and non-polar, with arginine, which is basic and polar, at codon 126 of the ZNF513 protein (p.Pro126Arg). This variant is present in population databases (rs776689084, gnomAD 0.06%), and has an allele count higher than expected for a pathogenic variant. This variant has not been reported in the literature in individuals affected with ZNF513-related conditions. ClinVar contains an entry for this variant (Variation ID: 1062635). An algorithm developed to predict the effect of missense changes on protein structure and function (PolyPhen-2) suggests that this variant is likely to be disruptive. Algorithms developed to predict the effect of sequence changes on RNA splicing suggest that this variant may create or strengthen a splice site. In summary, the available evidence is currently insufficient to determine the role of this variant in disease. Therefore, it has been classified as a Variant of Uncertain Significance.

NM_144631.6(ZNF513):c.377C>G (p.Pro126Arg)

Gene: ZNF513 (zinc finger protein 513; minus strand). Cytogenetic location: 2p23.3.
Variant type: single nucleotide variant.
Coding change: c.377C>G on transcript NM_144631.6 (MANE Select); coding-DNA position 377, C replaced by G.
Protein change: p.Pro126Arg; replaces proline 126 with arginine.
Molecular consequence: missense variant.
Genome position (GRCh38, 1-based): chr2:27,378,889, G>C on the plus strand (C>G on the coding strand, the complement: ZNF513 is on the minus strand). VCF-style: chr2-27378889-G-C. GRCh37 (hg19) VCF-style: chr2-27601756-G-C.
Other names: c.377C>G (NM_144631.5); c.191C>G, p.Pro64Arg (NM_001201459.2); short protein forms P126R, P64R.
Identifiers: ClinVar variation 1062635 (VCV001062635.10), dbSNP rs776689084, ClinGen allele CA1578068.